The following is an entry in ClinVar:

ClinVar aggregate classification (germline): Pathogenic (1 of 4 stars; one submission).

Conditions:
Chuvash polycythemia. Also called: POLYCYTHEMIA, VHL-DEPENDENT. Identifiers: Orphanet 238557, MedGen C1837915, MONDO:0009892, OMIM 263400.
Von Hippel-Lindau syndrome (VHLS). Also called: Von Hippel-Lindau; VHL syndrome; von Hippel–Lindau syndrome. Identifiers: Orphanet 892, MedGen C0019562, MONDO:0008667, OMIM 193300. Disease mechanism: loss of function.

Submission:

Labcorp Genetics (formerly Invitae), Labcorp
Classification: Pathogenic for Von Hippel-Lindau syndrome; Chuvash polycythemia. Last evaluated: 2023-10-22. Review status: criteria provided, single submitter. Criteria: Invitae Variant Classification Sherloc (09022015). Collection method: clinical testing. Allele origin: germline.
Comment: This sequence change replaces serine, which is neutral and polar, with cysteine, which is neutral and slightly polar, at codon 111 of the VHL protein (p.Ser111Cys). Information on the frequency of this variant in the gnomAD database is not available, as this variant may be reported differently in the database. A different variant (c.331A>T) giving rise to the same protein effect has been determined to be pathogenic (PMID: 12202531, 12807974). This suggests that this variant is also likely to be causative of disease. This variant is also known as 543–544 CA→TT. ClinVar contains an entry for this variant (Variation ID: 2203305). Experimental studies and prediction algorithms are not available or were not evaluated, and the functional significance of this variant is currently unknown. This variant disrupts the p.Ser111 amino acid residue in VHL. Other variant(s) that disrupt this residue have been determined to be pathogenic (PMID: 7728151, 9829911, 10761708, 14722919, 25562111, 25867206, 27527340). This suggests that this residue is clinically significant, and that variants that disrupt this residue are likely to be disease-causing. For these reasons, this variant has been classified as Pathogenic.

Literature cited by the submitters: PubMed 12202531; PubMed 12807974; PubMed 7728151; PubMed 9829911; PubMed 10761708; PubMed 14722919; PubMed 25562111; PubMed 25867206; PubMed 27527340.

NM_000551.4(VHL):c.330_331delinsTT (p.Ser111Cys)

Gene: VHL (von Hippel-Lindau tumor suppressor; plus strand). Cytogenetic location: 3p25.3.
Variant type: Indel.
Coding change: c.330_331delinsTT on transcript NM_000551.4 (MANE Select); coding-DNA positions 330 to 331, CA replaced by TT.
Protein change: p.Ser111Cys; replaces serine 111 with cysteine.
Molecular consequence: missense variant.
Genome position (GRCh38, 1-based): chr3:10,142,177-10,142,178, CA replaced by TT. VCF-style: chr3-10142177-CA-TT. GRCh37 (hg19) VCF-style: chr3-10183861-CA-TT.
Other names: c.330_331delinsTT, p.Ser111Cys (NM_001354723.2, NM_198156.3); short protein forms S111C.
Identifiers: ClinVar variation 2203305 (VCV002203305.4), dbSNP rs2470158749, ClinGen allele CA2573106137.